The following is an entry in ClinVar:

ClinVar aggregate classification (germline): Uncertain significance (1 of 4 stars; one submission).

Conditions:
Snijders Blok-Campeau syndrome. Also called: INTELLECTUAL DEVELOPMENTAL DISORDER WITH MACROCEPHALY, SPEECH DELAY, AND DYSMORPHIC FACIES. Identifiers: Orphanet 599082, MedGen C4748701, MONDO:0032600, OMIM 618205.

Submission:

Institute of Human Genetics, University of Leipzig Medical Center
Classification: Uncertain significance for Snijders Blok-Campeau syndrome. Last evaluated: 2023-01-18. Review status: criteria provided, single submitter. Criteria: ACMG Guidelines, 2015. Collection method: clinical testing. Allele origin: unknown. Affected: yes.
Comment: _x000D_ Criteria applied: PM1_SUP, PM2_SUP, PP2, PP3

NM_001005273.3(CHD3):c.4022A>G (p.Lys1341Arg)

Gene: CHD3 (chromodomain helicase DNA binding protein 3; plus strand). Cytogenetic location: 17p13.1.
Variant type: single nucleotide variant.
Coding change: c.4022A>G on transcript NM_001005273.3 (MANE Select); coding-DNA position 4022, A replaced by G.
Protein change: p.Lys1341Arg; replaces lysine 1341 with arginine.
Molecular consequence: missense variant.
Genome position (GRCh38, 1-based): chr17:7,904,569, A>G. VCF-style: chr17-7904569-A-G. GRCh37 (hg19) VCF-style: chr17-7807887-A-G.
Other names: c.4199A>G, p.Lys1400Arg (NM_001005271.3); c.4022A>G, p.Lys1341Arg (NM_005852.4); short protein forms K1341R, K1400R.
Identifiers: ClinVar variation 2430270 (VCV002430270.1), dbSNP rs2545032172, ClinGen allele CA397944485.